The following is an entry in ClinVar:

NM_014679.5(CEP57):c.1247C>G (p.Thr416Ser)

Gene: CEP57 (centrosomal protein 57; plus strand). Cytogenetic location: 11q21.
Variant type: single nucleotide variant.
Coding change: c.1247C>G on transcript NM_014679.5 (MANE Select); coding-DNA position 1247, C replaced by G.
Protein change: p.Thr416Ser; replaces threonine 416 with serine.
Molecular consequence: missense variant.
Genome position (GRCh38, 1-based): chr11:95,829,306, C>G. VCF-style: chr11-95829306-C-G. GRCh37 (hg19) VCF-style: chr11-95562470-C-G.
Other names: c.1220C>G, p.Thr407Ser (NM_001243776.2); c.1169C>G, p.Thr390Ser (NM_001243777.2); c.1166C>G, p.Thr389Ser (NM_001363604.2); short protein forms T389S, T416S, T407S, T390S.
Identifiers: ClinVar variation 938757 (VCV000938757.10), dbSNP rs758520624, ClinGen allele CA6239743.

ClinVar aggregate classification (germline): Uncertain significance. Review status: criteria provided, multiple submitters, no conflicts (2 of 4 stars). 2 submissions from 2 submitters: Uncertain significance (2). Last evaluated 2025-03-26.

Conditions:
Mosaic variegated aneuploidy syndrome 2 (MVA2). Identifiers: Orphanet 1052, MedGen C3279843, MONDO:0013582, OMIM 614114.
Inborn genetic diseases. Identifiers: MedGen C0950123, MeSH D030342.

Allele frequency attached by ClinVar (database versions not stated): ExAC 0.00001; gnomAD 0.00001; TOPMed 0.00001.
gnomAD v4.1: 12 of 1,613,670 alleles (0.00074%); highest among the groups gnomAD compares: Non-Finnish European, 0.001%; no homozygotes.

Submissions (2):

Ambry Genetics
Classification: Uncertain significance for Inborn genetic diseases. Last evaluated: 2025-03-26. Review status: criteria provided, single submitter. Criteria: Ambry Variant Classification Scheme 2023. Collection method: clinical testing. Allele origin: germline.
Comment: The p.T416S variant (also known as c.1247C>G), located in coding exon 10 of the CEP57 gene, results from a C to G substitution at nucleotide position 1247. The threonine at codon 416 is replaced by serine, an amino acid with similar properties. This amino acid position is conserved. In addition, this alteration is predicted to be tolerated by in silico analysis. Based on the available evidence, the clinical significance of this variant remains unclear.

Labcorp Genetics (formerly Invitae), Labcorp
Classification: Uncertain significance for Mosaic variegated aneuploidy syndrome 2. Last evaluated: 2024-07-30. Review status: criteria provided, single submitter. Criteria: Invitae Variant Classification Sherloc (09022015). Collection method: clinical testing. Allele origin: germline.
Comment: This sequence change replaces threonine, which is neutral and polar, with serine, which is neutral and polar, at codon 416 of the CEP57 protein (p.Thr416Ser). This variant is present in population databases (rs758520624, gnomAD 0.0009%). This variant has not been reported in the literature in individuals affected with CEP57-related conditions. ClinVar contains an entry for this variant (Variation ID: 938757). Advanced modeling of protein sequence and biophysical properties (such as structural, functional, and spatial information, amino acid conservation, physicochemical variation, residue mobility, and thermodynamic stability) performed at Invitae indicates that this missense variant is not expected to disrupt CEP57 protein function with a negative predictive value of 80%. In summary, the available evidence is currently insufficient to determine the role of this variant in disease. Therefore, it has been classified as a Variant of Uncertain Significance.